The following is an entry in ClinVar:

NM_002579.3(PALM):c.229G>A (p.Asp77Asn)

Gene: PALM (paralemmin; plus strand). Cytogenetic location: 19p13.3.
Variant type: single nucleotide variant.
Coding change: c.229G>A on transcript NM_002579.3 (MANE Select); coding-DNA position 229, G replaced by A.
Protein change: p.Asp77Asn; replaces aspartic acid 77 with asparagine.
Molecular consequence: missense variant.
Genome position (GRCh38, 1-based): chr19:727,654, G>A. VCF-style: chr19-727654-G-A. GRCh37 (hg19) VCF-style: chr19-727654-G-A.
Other names: c.229G>A, p.Asp77Asn (NM_001040134.2); short protein forms D77N.
Identifiers: ClinVar variation 3002212 (VCV003002212.3), dbSNP rs762376900, ClinGen allele CA9022471.

ClinVar aggregate classification (germline): Uncertain significance (1 of 4 stars; one submission).

Allele frequency attached by ClinVar (database versions not stated): TOPMed below 0.00001.
gnomAD v4.1: 17 of 1,569,682 alleles (0.0011%); highest among the groups gnomAD compares: Admixed American, 0.0038%; no homozygotes.

Submission:

Labcorp Genetics (formerly Invitae), Labcorp
Classification: Uncertain significance. Last evaluated: 2023-06-09. Review status: criteria provided, single submitter. Criteria: Invitae Variant Classification Sherloc (09022015). Collection method: clinical testing. Allele origin: germline.
Comment: This sequence change replaces aspartic acid, which is acidic and polar, with asparagine, which is neutral and polar, at codon 77 of the PALM protein (p.Asp77Asn). The frequency data for this variant in the population databases is considered unreliable, as metrics indicate poor data quality at this position in the gnomAD database. In summary, the available evidence is currently insufficient to determine the role of this variant in disease. Therefore, it has been classified as a Variant of Uncertain Significance. An algorithm developed to predict the effect of missense changes on protein structure and function (PolyPhen-2) suggests that this variant is likely to be disruptive. This variant has not been reported in the literature in individuals affected with PALM-related conditions.